The following is an entry in ClinVar:

ClinVar aggregate classification (germline): Uncertain significance (1 of 4 stars; one submission).

Conditions:
Familial adenomatous polyposis 1 (FAP1). Also called: FAMILIAL ADENOMATOUS POLYPOSIS 1, ATTENUATED; POLYPOSIS, ADENOMATOUS INTESTINAL. Identifiers: MedGen C2713442, MONDO:0021056, OMIM 175100. Disease mechanism: loss of function.

Submission:

Labcorp Genetics (formerly Invitae), Labcorp
Classification: Uncertain significance for Familial adenomatous polyposis 1. Last evaluated: 2023-06-29. Review status: criteria provided, single submitter. Criteria: Invitae Variant Classification Sherloc (09022015). Collection method: clinical testing. Allele origin: germline.
Comment: In summary, the available evidence is currently insufficient to determine the role of this variant in disease. Therefore, it has been classified as a Variant of Uncertain Significance. Experimental studies and prediction algorithms are not available or were not evaluated, and the functional significance of this variant is currently unknown. This variant has not been reported in the literature in individuals affected with APC-related conditions. This variant is not present in population databases (gnomAD no frequency). This variant occurs in a non-coding region of the APC gene. It does not change the encoded amino acid sequence of the APC protein.

NM_001127511.3(APC):c.140del (p.Ser47fs)

Gene: APC (APC regulator of Wnt signaling pathway; plus strand). Cytogenetic location: 5q22.2.
Variant type: Deletion.
Coding change: c.140del on transcript NM_001127511.3; coding-DNA position 140, one base deleted (C; older notation c.140delC).
Protein change: p.Ser47fs; shifts the reading frame from serine 47.
Molecular consequence: frameshift variant. On other transcripts: 5 prime UTR variant (8), non-coding transcript variant (1), intron variant (5).
Genome position (GRCh38, 1-based): chr5:112,707,857, C deleted. VCF-style (leftmost placement, unchanged base first): chr5-112707856-TC-T. GRCh37 (hg19) VCF-style: chr5-112043553-TC-T.
Other names: c.-44del (NM_001354895.2, NM_001407447.1, NM_001407452.1 and 3 more transcripts); c.140del, p.Ser47fs (NM_001354897.2, NM_001354902.2, NM_001407446.1); c.-1079del (NM_001407470.1, NM_001407472.1); c.-19+208del (NM_001407448.1, NM_001407450.1, NM_001407457.1 and 1 more transcripts); c.-43+208del (NM_001407453.1); short protein forms S47fs.
Identifiers: ClinVar variation 1978180 (VCV001978180.5), dbSNP rs2531742084, ClinGen allele CA2580072343.